The following is an entry in ClinVar:

NM_000548.5(TSC2):c.4195G>A (p.Gly1399Arg)

Gene: TSC2 (TSC complex subunit 2; plus strand). Cytogenetic location: 16p13.3.
Variant type: single nucleotide variant.
Coding change: c.4195G>A on transcript NM_000548.5 (MANE Select); coding-DNA position 4195, G replaced by A.
Protein change: p.Gly1399Arg; replaces glycine 1399 with arginine.
Molecular consequence: missense variant.
Genome position (GRCh38, 1-based): chr16:2,084,417, G>A. VCF-style: chr16-2084417-G-A. GRCh37 (hg19) VCF-style: chr16-2134418-G-A.
Other names: p.G1399R:GGG>AGG; c.3994G>A, p.Gly1332Arg (NM_001077183.3); c.4126G>A, p.Gly1376Arg (NM_001114382.3); c.3886G>A, p.Gly1296Arg (NM_001318827.2); c.3850G>A, p.Gly1284Arg (NM_001318829.2); c.3463G>A, p.Gly1155Arg (NM_001318831.2); c.4027G>A, p.Gly1343Arg (NM_001318832.2); c.3997G>A, p.Gly1333Arg (NM_001363528.2); and 3 more; short protein forms G1399R, G1284R, G1356R, G1296R, G1376R, G1332R, G1343R, G1355R.
Identifiers: ClinVar variation 50062 (VCV000050062.40), dbSNP rs45466399, ClinGen allele CA020068.
Genomic context (GRCh38, chr16:2,084,417, plus strand): 5'-TCGCAGCCCCTGAGCAAGTCCAGCTCCTCTCCCGAGCTGCAGACTCTGCAGGACATCCTC[G>A]GGGACCCTGGGGACAAGGCCGACGTGGGCCGGCTGAGCCCTGAGGTTAAGGCCCGGTCAC-3'
Protein context (NP_000539.2, residues 1389-1409): PELQTLQDIL[Gly1399Arg]DPGDKADVGR

ClinVar aggregate classification (germline): Benign/Likely benign. Review status: criteria provided, multiple submitters, no conflicts (2 of 4 stars). 18 submissions from 18 submitters: Benign (11); Likely benign (4). 3 of the submissions do not count toward it. Last evaluated 2026-02-03.

Conditions:
Hereditary cancer-predisposing syndrome. Also called: Hereditary Cancer Syndrome; Tumor predisposition; Neoplastic Syndromes, Hereditary; Hereditary neoplastic syndrome. Identifiers: Orphanet 140162, MedGen C0027672, MeSH D009386, MONDO:0015356.
Tuberous sclerosis syndrome (TSC). Also called: Tuberous Sclerosis Complex; Tuberous sclerosis. Identifiers: Orphanet 805, MedGen C0041341, MONDO:0001734.
Tuberous sclerosis 2 (TSC2). Identifiers: Orphanet 805, MedGen C1860707, MONDO:0013199, OMIM 613254.

Allele frequency attached by ClinVar (database versions not stated): ExAC 0.00041; ESP Exome Variant Server 0.00100; gnomAD 0.00119 and 0.00122; TOPMed 0.00132; 1000 Genomes Project 0.00220; 1000 Genomes Project 30x 0.00265.
gnomAD v4.1: 341 of 1,611,108 alleles (0.021%); highest among the groups gnomAD compares: African/African-American, 0.38%; 1 homozygote.

Submissions (18):

Labcorp Genetics (formerly Invitae), Labcorp
Classification: Benign for Tuberous sclerosis 2. Last evaluated: 2026-02-03. Review status: criteria provided, single submitter. Criteria: Invitae Variant Classification Sherloc (09022015). Collection method: clinical testing. Allele origin: germline.

CeGaT Center for Human Genetics Tuebingen
Classification: Likely benign. Last evaluated: 2025-11-01. Review status: criteria provided, single submitter. Criteria: CeGaT Center For Human Genetics Tuebingen Variant Classification Criteria Version 2. Collection method: clinical testing. Allele origin: germline. Affected: yes. Observed: 1 variant allele.
Comment: TSC2: BS2

Myriad Genetics, Inc.
Classification: Benign for Tuberous sclerosis 2. Last evaluated: 2024-09-09. Review status: criteria provided, single submitter. Criteria: Myriad Autosomal Dominant, Autosomal Recessive and X-Linked Classification Criteria (2023). Collection method: clinical testing. Allele origin: unknown.
Comment: This variant is considered benign. Homozygosity has been confirmed in one or more individuals. As homozygosity for pathogenic variants in this gene is generally assumed to result in embryonic lethality, this variant is unlikely to be pathogenic. This variant has been observed at a population frequency that is significantly greater than expected given the associated disease prevalence and penetrance.

Blueprint Genetics
Classification: Likely benign. Last evaluated: 2024-06-28. Review status: criteria provided, single submitter. Criteria: ACMG Guidelines, 2015. Collection method: clinical testing. Allele origin: germline.

ARUP Laboratories, Molecular Genetics and Genomics, ARUP Laboratories
Classification: Likely benign. Last evaluated: 2024-02-15. Review status: criteria provided, single submitter. Criteria: ARUP Molecular Germline Variant Investigation Process 2024. Collection method: clinical testing. Allele origin: germline.

Color Diagnostics, LLC DBA Color Health
Classification: Benign for Tuberous sclerosis syndrome. Last evaluated: 2022-09-30. Review status: criteria provided, single submitter. Criteria: ACMG Guidelines, 2015. Collection method: clinical testing. Allele origin: germline.

Genome-Nilou Lab
Classification: Benign for Tuberous sclerosis 2. Last evaluated: 2021-11-07. Review status: criteria provided, single submitter. Criteria: ACMG Guidelines, 2015. Collection method: clinical testing. Allele origin: germline. Affected: no.

Quest Diagnostics Nichols Institute San Juan Capistrano
Classification: Benign. Last evaluated: 2021-08-13. Review status: criteria provided, single submitter. Criteria: Quest Diagnostics criteria. Collection method: clinical testing. Allele origin: unknown.

Sema4
Classification: Benign for Hereditary cancer-predisposing syndrome. Last evaluated: 2021-03-05. Review status: criteria provided, single submitter. Criteria: Sema4 Curation Guidelines. Collection method: curation. Allele origin: germline.

Ambry Genetics
Classification: Benign for Hereditary cancer-predisposing syndrome. Last evaluated: 2017-12-06. Review status: criteria provided, single submitter. Criteria: Ambry Variant Classification Scheme 2023. Collection method: clinical testing. Allele origin: germline.

Athena Diagnostics
Classification: Benign. Last evaluated: 2016-09-19. Review status: criteria provided, single submitter. Criteria: Athena Diagnostics Criteria. Collection method: clinical testing. Allele origin: germline.

GeneDx
Classification: Benign. Last evaluated: 2016-06-07. Review status: criteria provided, single submitter. Criteria: GeneDx Variant Classification (06012015). Collection method: clinical testing. Allele origin: germline. Affected: yes.
Comment: This variant is considered likely benign or benign based on one or more of the following criteria: it is a conservative change, it occurs at a poorly conserved position in the protein, it is predicted to be benign by multiple in silico algorithms, and/or has population frequency not consistent with disease.

Laboratory for Molecular Medicine, Mass General Brigham Personalized Medicine
Classification: Likely benign. Last evaluated: 2016-02-15. Review status: criteria provided, single submitter. Criteria: LMM Criteria. Collection method: clinical testing. Allele origin: germline. Observed: 1 variant allele.
Comment: p.Gly1399Arg in exon 34 of TSC2: This variant is not expected to have clinical s ignificance because it is not located within the splice consensus sequence. It has been identified in 0.49% (43/8840) of African chromosomes by the Exome Aggre gation Consortium (ExAC; dbSNP rs45466399).

Genomic Diagnostic Laboratory, Division of Genomic Diagnostics, Children's Hospital of Philadelphia
Classification: Benign for Tuberous sclerosis 2. Last evaluated: 2015-08-24. Review status: criteria provided, single submitter. Criteria: DGD Variant Analysis Guidelines. Collection method: clinical testing. Allele origin: unknown.

PreventionGenetics, part of Exact Sciences
Classification: Benign. Review status: criteria provided, single submitter. Criteria: ACMG Guidelines, 2015. Collection method: clinical testing. Allele origin: germline.

Genetic Services Laboratory, University of Chicago
Classification: Likely benign. Last evaluated: 2022-11-21. Review status: no assertion criteria provided. Collection method: clinical testing. Allele origin: germline. Affected: no. Not counted in ClinVar's aggregate classification.

ITMI
No classification provided. Condition: AllHighlyPenetrant. Last evaluated: 2013-09-19. Review status: no classification provided. Collection method: reference population. Allele origin: germline. Not counted in ClinVar's aggregate classification.
Comment: Please see associated publication for description of ethnicities

Tuberous sclerosis database (TSC2)
No classification provided. Condition: TSC. Review status: no classification provided. Criteria: Tuberous Sclerosis Database Assertion Criteria 2015. Collection method: curation. Allele origin: germline. Affected: yes. Not counted in ClinVar's aggregate classification.

Literature cited by the submitters: PubMed 24728327 (cited by ITMI).